The following is an entry in ClinVar:

ClinVar aggregate classification (germline): Uncertain significance. Review status: criteria provided, multiple submitters, no conflicts (2 of 4 stars). 2 submissions from 2 submitters: Uncertain significance (2). Last evaluated 2025-11-13.

Conditions:
VCAN-related disorder. Also called: VCAN-related condition.

Allele frequency attached by ClinVar (database versions not stated): gnomAD exomes below 0.00001; TOPMed below 0.00001.

Submissions (2):

PreventionGenetics, part of Exact Sciences
Classification: Uncertain significance for VCAN-related condition. Last evaluated: 2025-11-13. Review status: criteria provided, single submitter. Criteria: ACMG Guidelines, 2015. Collection method: clinical testing. Allele origin: germline.
Comment: The VCAN c.4348G>A variant is predicted to result in the amino acid substitution p.Asp1450Asn. To our knowledge, this variant has not been reported in the literature or in a large population database (gnomAD), indicating this variant is rare. At this time, the clinical significance of this variant is uncertain due to the absence of conclusive functional and genetic evidence.

Labcorp Genetics (formerly Invitae), Labcorp
Classification: Uncertain significance. Last evaluated: 2022-08-22. Review status: criteria provided, single submitter. Criteria: Invitae Variant Classification Sherloc (09022015). Collection method: clinical testing. Allele origin: germline.
Comment: In summary, the available evidence is currently insufficient to determine the role of this variant in disease. Therefore, it has been classified as a Variant of Uncertain Significance. This sequence change replaces aspartic acid, which is acidic and polar, with asparagine, which is neutral and polar, at codon 1450 of the VCAN protein (p.Asp1450Asn). This variant is not present in population databases (gnomAD no frequency). This variant has not been reported in the literature in individuals affected with VCAN-related conditions. Algorithms developed to predict the effect of missense changes on protein structure and function (SIFT, PolyPhen-2, Align-GVGD) all suggest that this variant is likely to be tolerated.

NM_004385.5(VCAN):c.4348G>A (p.Asp1450Asn)

Genes: VCAN (versican; plus strand), VCAN-AS1 (VCAN antisense RNA 1; minus strand). Cytogenetic location: 5q14.3.
Variant type: single nucleotide variant.
Coding change: c.4348G>A on transcript NM_004385.5 (MANE Select); coding-DNA position 4348, G replaced by A.
Protein change: p.Asp1450Asn; replaces aspartic acid 1450 with asparagine.
Molecular consequence: missense variant. On other transcripts: intron variant (2).
Genome position (GRCh38, 1-based): chr5:83,537,351, G>A. VCF-style: chr5-83537351-G-A. GRCh37 (hg19) VCF-style: chr5-82833170-G-A.
Other names: c.1387G>A, p.Asp463Asn (NM_001164097.2); c.4004-8186G>A (NM_001164098.2); c.1043-8186G>A (NM_001126336.3); c.4348G>A (NM_004385.4); short protein forms D1450N, D463N.
Identifiers: ClinVar variation 2067840 (VCV002067840.5), dbSNP rs1746762172, ClinGen allele CA360308060.
Genomic context (GRCh38, chr5:83,537,351, plus strand): 5'-AGGCGTGGCCAGTTTGAAAGTGTTGCACCTTCTCAGAATTTCTCGGACAGCTCTGAAAGT[G>A]ATACTCATCCATTTGTAATAGCCAAAACGGAATTGTCTACTGCTGTGCAACCTAATGAAT-3'
Protein context (NP_004376.2, residues 1440-1460): SQNFSDSSES[Asp1450Asn]THPFVIAKTE